The following is an entry in ClinVar:

ClinVar aggregate classification (germline): Uncertain significance (1 of 4 stars; one submission).

Submission:

Ambry Genetics
Classification: Uncertain significance. Last evaluated: 2025-03-05. Review status: criteria provided, single submitter. Criteria: Ambry Variant Classification Scheme 2023. Collection method: clinical testing. Allele origin: germline.
Comment: The p.Q373R variant (also known as c.1118A>G), located in coding exon 1 of the TET2 gene, results from an A to G substitution at nucleotide position 1118. The glutamine at codon 373 is replaced by arginine, an amino acid with highly similar properties. This amino acid position is conserved. In addition, this alteration is predicted to be tolerated by in silico analysis. Based on the available evidence, the clinical significance of this variant remains unclear.

NM_001127208.3(TET2):c.1118A>G (p.Gln373Arg)

Genes: TET2 (tet methylcytosine dioxygenase 2; plus strand), TET2-AS1 (TET2 antisense RNA 1; minus strand). Cytogenetic location: 4q24.
Variant type: single nucleotide variant.
Coding change: c.1118A>G on transcript NM_001127208.3 (MANE Select); coding-DNA position 1118, A replaced by G.
Protein change: p.Gln373Arg; replaces glutamine 373 with arginine.
Molecular consequence: missense variant.
Genome position (GRCh38, 1-based): chr4:105,235,060, A>G. VCF-style: chr4-105235060-A-G. GRCh37 (hg19) VCF-style: chr4-106156217-A-G.
Other names: c.1118A>G, p.Gln373Arg (NM_017628.4); short protein forms Q373R.
Identifiers: ClinVar variation 3806106 (VCV003806106.1).